The following is an entry in ClinVar:

ClinVar aggregate classification (germline): Pathogenic. Review status: criteria provided, multiple submitters, no conflicts (2 of 4 stars). 3 submissions from 3 submitters: Pathogenic (2). 1 of the submissions does not count toward it. Last evaluated 2025-08-21.

Conditions:
Melnick-Fraser syndrome (BOR). Also called: Branchio-oto-renal syndrome; Branchiootorenal syndrome; Branchiootorenal Syndrome (BORS). Identifiers: Orphanet 107, MedGen C0265234, MONDO:0007029.
Branchiootic syndrome 1 (BOS1). Also called: BO SYNDROME 1; BRANCHIOOTIC DYSPLASIA. Identifiers: MedGen C1865143, MONDO:0011258, OMIM 602588.

Submissions (3):

Labcorp Genetics (formerly Invitae), Labcorp
Classification: Pathogenic for Melnick-Fraser syndrome. Last evaluated: 2025-08-21. Review status: criteria provided, single submitter. Criteria: Invitae Variant Classification Sherloc (09022015). Collection method: clinical testing. Allele origin: germline.
Comment: This sequence change affects an acceptor splice site in intron 14 of the EYA1 gene. It is expected to disrupt RNA splicing. Variants that disrupt the donor or acceptor splice site typically lead to a loss of protein function (PMID: 16199547), and loss-of-function variants in EYA1 are known to be pathogenic (PMID: 10464653, 18220287). This variant is not present in population databases (gnomAD no frequency). Disruption of this splice site has been observed in individuals with clinical features of branchiootorenal syndrome (PMID: 32359821; internal data). ClinVar contains an entry for this variant (Variation ID: 807413). Algorithms developed to predict the effect of sequence changes on RNA splicing suggest that this variant may disrupt the consensus splice site. For these reasons, this variant has been classified as Pathogenic.

Institute of Human Genetics Munich, TUM University Hospital
Classification: Pathogenic for Branchiootic syndrome 1. Last evaluated: 2019-06-07. Review status: criteria provided, single submitter. Criteria: Classification criteria August 2017. Collection method: clinical testing. Allele origin: germline. Inheritance: Autosomal dominant inheritance. Affected: yes. Observed: 1 heterozygote.

Gharavi Laboratory, Columbia University
Classification: Likely pathogenic for Branchio-oto-renal syndrome. Last evaluated: 2024-11-05. Review status: no assertion criteria provided. Criteria: ACMG Guidelines, 2015. Collection method: case-control. Allele origin: germline. Affected: yes. Not counted in ClinVar's aggregate classification.

Literature cited by the submitters: PubMed 16199547 (cited by Labcorp Genetics (formerly Invitae), Labcorp); PubMed 10464653 (cited by Labcorp Genetics (formerly Invitae), Labcorp); PubMed 18220287 (cited by Labcorp Genetics (formerly Invitae), Labcorp); PubMed 32359821 (cited by Labcorp Genetics (formerly Invitae), Labcorp).

NM_000503.6(EYA1):c.1361-1G>A

Gene: EYA1 (EYA transcriptional coactivator and phosphatase 1; minus strand). Cytogenetic location: 8q13.3.
Variant type: single nucleotide variant.
Coding change: c.1361-1G>A on transcript NM_000503.6 (MANE Select); the canonical splice acceptor site of the intron before coding-DNA position 1361, G replaced by A.
Molecular consequence: splice acceptor variant.
Genome position (GRCh38, 1-based): chr8:71,215,729, C>T on the plus strand (G>A on the coding strand, the complement: EYA1 is on the minus strand). VCF-style: chr8-71215729-C-T. GRCh37 (hg19) VCF-style: chr8-72127964-C-T.
Other names: c.1340-1G>A (NM_001370336.1); c.1448-1G>A (NM_001370333.1); c.1361-1G>A (NM_001370335.1, NM_001370334.1, NM_172058.4); c.1343-1G>A (NM_172059.5, NM_001288574.2); c.1262-1G>A (NM_001411797.1, NM_172060.4); c.995-1G>A (NM_001288575.2).
Identifiers: ClinVar variation 807413 (VCV000807413.12), dbSNP rs397517917, ClinGen allele CA371466554.